The following is an entry in ClinVar:

ClinVar aggregate classification (germline): Likely benign. Review status: criteria provided, multiple submitters, no conflicts (2 of 4 stars). 2 submissions from 2 submitters: Likely benign (2). Last evaluated 2025-07-13.

Allele frequency attached by ClinVar (database versions not stated): TOPMed below 0.00001; ExAC 0.00002; gnomAD 0.00002; gnomAD exomes 0.00002; 1000 Genomes Project 30x 0.00016.
gnomAD v4.1: 37 of 1,548,422 alleles (0.0024%); highest among the groups gnomAD compares: East Asian, 0.0068%; no homozygotes.

Submissions (2):

Labcorp Genetics (formerly Invitae), Labcorp
Classification: Likely benign. Last evaluated: 2025-07-13. Review status: criteria provided, single submitter. Criteria: Invitae Variant Classification Sherloc (09022015). Collection method: clinical testing. Allele origin: germline.

CeGaT Center for Human Genetics Tuebingen
Classification: Likely benign. Last evaluated: 2023-12-01. Review status: criteria provided, single submitter. Criteria: CeGaT Center For Human Genetics Tuebingen Variant Classification Criteria Version 2. Collection method: clinical testing. Allele origin: germline. Affected: yes. Observed: 1 variant allele.
Comment: RORB: BP4

NM_006914.4(RORB):c.893-7C>T

Gene: RORB (RAR related orphan receptor B; plus strand). Cytogenetic location: 9q21.13.
Variant type: single nucleotide variant.
Coding change: c.893-7C>T on transcript NM_006914.4 (MANE Select); 7 bases into the intron before coding-DNA position 893, C replaced by T.
Molecular consequence: intron variant.
Genome position (GRCh38, 1-based): chr9:74,665,481, C>T. VCF-style: chr9-74665481-C-T. GRCh37 (hg19) VCF-style: chr9-77280397-C-T.
Other names: c.926-7C>T (NM_001365023.1).
Identifiers: ClinVar variation 3026237 (VCV003026237.23), dbSNP rs772735170, ClinGen allele CA5083496.